The following is an entry in ClinVar:

ClinVar aggregate classification (germline): Conflicting classifications of pathogenicity. Review status: criteria provided, conflicting classifications (1 of 4 stars). 5 submissions from 5 submitters: Uncertain significance (4); Likely benign (1). Last evaluated 2026-04-15.

Conditions:
HADHA-related disorder. Also called: HADHA-related disorders; HADHA-related condition.
Inborn genetic diseases. Identifiers: MedGen C0950123, MeSH D030342.
Long chain 3-hydroxyacyl-CoA dehydrogenase deficiency. Also called: LCHAD Deficiency; Deficiency of long-chain 3-hydroxyacyl-coenzyme A dehydrogenase. Identifiers: Orphanet 5, MedGen C3711645, MONDO:0012173, OMIM 609016.
Mitochondrial trifunctional protein deficiency. Identifiers: Orphanet 746, MedGen C1969443, MONDO:0012172.

Allele frequency attached by ClinVar (database versions not stated): gnomAD exomes 0.00001 and 0.00005; ExAC 0.00003; gnomAD 0.00019; 1000 Genomes Project 0.00020; TOPMed 0.00021; ESP Exome Variant Server 0.00031; 1000 Genomes Project 30x 0.00047.
gnomAD v4.1: 52 of 1,614,038 alleles (0.0032%); highest among the groups gnomAD compares: African/African-American, 0.052%; no homozygotes.

Submissions (5):

GeneDx
Classification: Uncertain significance. Last evaluated: 2026-04-15. Review status: criteria provided, single submitter. Criteria: GeneDx Variant Classification Process June 2021. Collection method: clinical testing. Allele origin: germline.
Comment: In silico analysis suggests that this missense variant does not alter protein structure/function; Has not been previously published as pathogenic or benign to our knowledge

Labcorp Genetics (formerly Invitae), Labcorp
Classification: Likely benign for Mitochondrial trifunctional protein deficiency; Long chain 3-hydroxyacyl-CoA dehydrogenase deficiency. Last evaluated: 2025-12-24. Review status: criteria provided, single submitter. Criteria: Invitae Variant Classification Sherloc (09022015). Collection method: clinical testing. Allele origin: germline.

Mayo Clinic Laboratories, Mayo Clinic
Classification: Uncertain significance. Last evaluated: 2025-08-02. Review status: criteria provided, single submitter. Criteria: ACMG Guidelines, 2015. Collection method: clinical testing. Allele origin: germline. Observed: 1 variant allele.

PreventionGenetics, part of Exact Sciences
Classification: Uncertain significance for HADHA-related condition. Last evaluated: 2025-03-09. Review status: criteria provided, single submitter. Criteria: ACMG Guidelines, 2015. Collection method: clinical testing. Allele origin: germline.
Comment: The HADHA c.2215G>C variant is predicted to result in the amino acid substitution p.Ala739Pro. To our knowledge, this variant has not been reported in the literature. This variant is reported in 0.072% of alleles in individuals of African descent in gnomAD, which is more common than expected for a primary cause of disease. Although we suspect that this variant may be benign, at this time, the clinical significance of this variant is uncertain due to the absence of conclusive functional and genetic evidence.

Ambry Genetics
Classification: Uncertain significance for Inborn genetic diseases. Last evaluated: 2023-10-20. Review status: criteria provided, single submitter. Criteria: Ambry Variant Classification Scheme 2023. Collection method: clinical testing. Allele origin: germline.

NM_000182.5(HADHA):c.2215G>C (p.Ala739Pro)

Genes: GAREM2 (GRB2 associated regulator of MAPK1 subtype 2; plus strand), HADHA (hydroxyacyl-CoA dehydrogenase trifunctional multienzyme complex subunit alpha; minus strand). Cytogenetic location: 2p23.3.
Variant type: single nucleotide variant.
Coding change: c.2215G>C on transcript NM_000182.5 (MANE Select); coding-DNA position 2215, G replaced by C.
Protein change: p.Ala739Pro; replaces alanine 739 with proline.
Molecular consequence: missense variant.
Genome position (GRCh38, 1-based): chr2:26,191,327, C>G on the plus strand (G>C on the coding strand, the complement: HADHA is on the minus strand). VCF-style: chr2-26191327-C-G. GRCh37 (hg19) VCF-style: chr2-26414196-C-G.
Other names: p.Ala739Pro; c.2215G>C (NM_000182.4); short protein forms A739P.
Identifiers: ClinVar variation 1408766 (VCV001408766.12), dbSNP rs141164185, ClinGen allele CA1559322.